The following is an entry in ClinVar:

ClinVar aggregate classification (germline): Uncertain significance (1 of 4 stars; one submission).

gnomAD v4.1: 3 of 1,614,112 alleles (0.00019%); highest among the groups gnomAD compares: Non-Finnish European, 0.00025%; no homozygotes.

Submission:

GeneDx
Classification: Uncertain significance. Last evaluated: 2024-08-12. Review status: criteria provided, single submitter. Criteria: GeneDx Variant Classification Process June 2021. Collection method: clinical testing. Allele origin: germline. Affected: yes.
Comment: Not observed at significant frequency in large population cohorts (gnomAD); In silico analysis indicates that this missense variant does not alter protein structure/function; Has not been previously published as pathogenic or benign to our knowledge

NM_001378974.1(FBXW11):c.1120A>G (p.Ile374Val)

Gene: FBXW11 (F-box and WD repeat domain containing 11; minus strand). Cytogenetic location: 5q35.1.
Variant type: single nucleotide variant.
Coding change: c.1120A>G on transcript NM_001378974.1 (MANE Select); coding-DNA position 1120, A replaced by G.
Protein change: p.Ile374Val; replaces isoleucine 374 with valine.
Molecular consequence: missense variant.
Genome position (GRCh38, 1-based): chr5:171,876,386, T>C on the plus strand (A>G on the coding strand, the complement: FBXW11 is on the minus strand). VCF-style: chr5-171876386-T-C. GRCh37 (hg19) VCF-style: chr5-171303390-T-C.
Other names: c.1051A>G, p.Ile351Val (NM_001378975.1); c.1024A>G, p.Ile342Val (NM_001378976.1); c.961A>G, p.Ile321Val (NM_001378977.1, NM_001378978.1, NM_001378979.1); c.955A>G, p.Ile319Val (NM_001378980.1, NM_033645.3); c.1057A>G, p.Ile353Val (NM_012300.3); c.1018A>G, p.Ile340Val (NM_033644.3); short protein forms I374V, I321V, I353V, I340V, I342V, I351V, I319V.
Identifiers: ClinVar variation 3730995 (VCV003730995.1).